The following is an entry in ClinVar:

ClinVar aggregate classification (germline): Likely benign (1 of 4 stars; one submission).

Allele frequency attached by ClinVar (database versions not stated): gnomAD exomes below 0.00001; gnomAD 0.00001; TOPMed 0.00001.
gnomAD v4.1: 4 of 1,613,520 alleles (0.00025%); highest among the groups gnomAD compares: African/African-American, 0.004%; no homozygotes.

Submission:

CeGaT Center for Human Genetics Tuebingen
Classification: Likely benign. Last evaluated: 2024-03-01. Review status: criteria provided, single submitter. Criteria: CeGaT Center For Human Genetics Tuebingen Variant Classification Criteria Version 2. Collection method: clinical testing. Allele origin: germline. Affected: yes. Observed: 1 variant allele.
Comment: SOX6: BP4

NM_001367873.1(SOX6):c.297A>T (p.Pro99=)

Gene: SOX6 (SRY-box transcription factor 6; minus strand). Cytogenetic location: 11p15.2.
Variant type: single nucleotide variant.
Coding change: c.297A>T on transcript NM_001367873.1 (MANE Select); coding-DNA position 297, A replaced by T.
Protein change: p.Pro99=; no amino-acid change (proline 99 retained).
Molecular consequence: synonymous variant.
Genome position (GRCh38, 1-based): chr11:16,318,594, T>A on the plus strand (A>T on the coding strand, the complement: SOX6 is on the minus strand). VCF-style: chr11-16318594-T-A. GRCh37 (hg19) VCF-style: chr11-16340140-T-A.
Other names: c.297A>T, p.Pro99= (NM_001145811.2, NM_001145819.2, NM_001367872.1 and 2 more transcripts).
Identifiers: ClinVar variation 3067663 (VCV003067663.21), dbSNP rs1418992305, ClinGen allele CA473344470.